The following is an entry in ClinVar:

NM_001378454.1(ALMS1):c.9352G>T (p.Gly3118Ter)

Gene: ALMS1 (ALMS1 centrosome and basal body associated protein; plus strand). Cytogenetic location: 2p13.1.
Variant type: single nucleotide variant.
Coding change: c.9352G>T on transcript NM_001378454.1 (MANE Select); coding-DNA position 9352, G replaced by T.
Protein change: p.Gly3118Ter; replaces glycine 3118 with a stop codon.
Molecular consequence: nonsense.
Genome position (GRCh38, 1-based): chr2:73,491,311, G>T. VCF-style: chr2-73491311-G-T. GRCh37 (hg19) VCF-style: chr2-73718438-G-T.
Other names: c.9355G>T, p.Gly3119Ter (NM_015120.4); short protein forms G3119*, G3118*.
Identifiers: ClinVar variation 1453006 (VCV001453006.6), dbSNP rs2103895712, ClinGen allele CA347274288.

ClinVar aggregate classification (germline): Pathogenic (1 of 4 stars; one submission).

Conditions:
Alstrom syndrome (ALMS). Identifiers: Orphanet 64, MedGen C0268425, MONDO:0008763, OMIM 203800.

Submission:

Labcorp Genetics (formerly Invitae), Labcorp
Classification: Pathogenic for Alstrom syndrome. Last evaluated: 2021-10-15. Review status: criteria provided, single submitter. Criteria: Invitae Variant Classification Sherloc (09022015). Collection method: clinical testing. Allele origin: germline.
Comment: This sequence change creates a premature translational stop signal (p.Gly3119*) in the ALMS1 gene. It is expected to result in an absent or disrupted protein product. Loss-of-function variants in ALMS1 are known to be pathogenic (PMID: 17594715). This variant is not present in population databases (ExAC no frequency). This variant has not been reported in the literature in individuals affected with ALMS1-related conditions. For these reasons, this variant has been classified as Pathogenic.

Literature cited by the submitters: PubMed 17594715.